The following is an entry in ClinVar:

ClinVar aggregate classification (germline): Uncertain significance. Review status: criteria provided, multiple submitters, no conflicts (2 of 4 stars). 2 submissions from 2 submitters: Uncertain significance (2). Last evaluated 2025-12-15.

Conditions:
Inborn genetic diseases. Identifiers: MedGen C0950123, MeSH D030342.

Allele frequency attached by ClinVar (database versions not stated): gnomAD exomes 0.00001 and 0.00002; TOPMed 0.00002; ExAC 0.00001; gnomAD 0.00001.
gnomAD v4.1: 35 of 1,580,664 alleles (0.0022%); highest among the groups gnomAD compares: Non-Finnish European, 0.0028%; no homozygotes.

Submissions (2):

Ambry Genetics
Classification: Uncertain significance for Inborn genetic diseases. Last evaluated: 2025-12-15. Review status: criteria provided, single submitter. Criteria: Ambry Variant Classification Scheme 2023. Collection method: clinical testing. Allele origin: germline.

Labcorp Genetics (formerly Invitae), Labcorp
Classification: Uncertain significance. Last evaluated: 2021-09-01. Review status: criteria provided, single submitter. Criteria: Invitae Variant Classification Sherloc (09022015). Collection method: clinical testing. Allele origin: germline.
Comment: This sequence change replaces leucine with tryptophan at codon 419 of the EXOSC9 protein (p.Leu419Trp). The leucine residue is highly conserved and there is a small physicochemical difference between leucine and tryptophan. This variant is present in population databases (rs749324326, ExAC 0.002%). This variant has not been reported in the literature in individuals affected with EXOSC9-related conditions. Algorithms developed to predict the effect of missense changes on protein structure and function are either unavailable or do not agree on the potential impact of this missense change (SIFT: "Deleterious"; PolyPhen-2: "Probably Damaging"; Align-GVGD: "Class C0"). In summary, the available evidence is currently insufficient to determine the role of this variant in disease. Therefore, it has been classified as a Variant of Uncertain Significance.

NM_005033.3(EXOSC9):c.1205T>G (p.Leu402Trp)

Gene: EXOSC9 (exosome component 9; plus strand). Cytogenetic location: 4q27.
Variant type: single nucleotide variant.
Coding change: c.1205T>G on transcript NM_005033.3 (MANE Select); coding-DNA position 1205, T replaced by G.
Protein change: p.Leu402Trp; replaces leucine 402 with tryptophan.
Molecular consequence: missense variant.
Genome position (GRCh38, 1-based): chr4:121,816,417, T>G. VCF-style: chr4-121816417-T-G. GRCh37 (hg19) VCF-style: chr4-122737572-T-G.
Other names: c.1256T>G, p.Leu419Trp (NM_001034194.2); c.1256T>G (NM_001034194.1); short protein forms L402W, L419W.
Identifiers: ClinVar variation 1521118 (VCV001521118.7), dbSNP rs749324326, ClinGen allele CA3063682.